The following is an entry in ClinVar:

ClinVar aggregate classification (germline): Uncertain significance (1 of 4 stars; one submission).

Conditions:
Emery-Dreifuss muscular dystrophy 5, autosomal dominant (EDMD5). Also called: EMERY-DREIFUSS MUSCULAR DYSTROPHY 5. Identifiers: Orphanet 261, MedGen C2751805, MONDO:0013072, OMIM 612999.

Submission:

Labcorp Genetics (formerly Invitae), Labcorp
Classification: Uncertain significance for Emery-Dreifuss muscular dystrophy 5, autosomal dominant. Last evaluated: 2025-09-17. Review status: criteria provided, single submitter. Criteria: Invitae Variant Classification Sherloc (09022015). Collection method: clinical testing. Allele origin: germline.
Comment: This sequence change replaces lysine, which is basic and polar, with arginine, which is basic and polar, at codon 501 of the SYNE2 protein (p.Lys501Arg). This variant is not present in population databases (gnomAD no frequency). This variant has not been reported in the literature in individuals affected with SYNE2-related conditions. An algorithm developed to predict the effect of missense changes on protein structure and function (PolyPhen-2) suggests that this variant is likely to be disruptive. In summary, the available evidence is currently insufficient to determine the role of this variant in disease. Therefore, it has been classified as a Variant of Uncertain Significance.

NM_182914.3(SYNE2):c.1502A>G (p.Lys501Arg)

Gene: SYNE2 (spectrin repeat containing nuclear envelope protein 2; plus strand). Cytogenetic location: 14q23.2.
Variant type: single nucleotide variant.
Coding change: c.1502A>G on transcript NM_182914.3 (MANE Select); coding-DNA position 1502, A replaced by G.
Protein change: p.Lys501Arg; replaces lysine 501 with arginine.
Molecular consequence: missense variant.
Genome position (GRCh38, 1-based): chr14:63,978,947, A>G. VCF-style: chr14-63978947-A-G. GRCh37 (hg19) VCF-style: chr14-64445665-A-G.
Other names: c.1502A>G, p.Lys501Arg (NM_015180.6); short protein forms K501R.
Identifiers: ClinVar variation 4780524 (VCV004780524.1).